The following is an entry in ClinVar:

NM_001330078.2(NRXN1):c.3978_3979delinsAT (p.Val1327Phe)

Gene: NRXN1 (neurexin 1; minus strand). Cytogenetic location: 2p16.3.
Variant type: Indel.
Coding change: c.3978_3979delinsAT on transcript NM_001330078.2 (MANE Select); coding-DNA positions 3978 to 3979, GG replaced by AT.
Protein change: p.Val1327Phe; replaces valine 1327 with phenylalanine.
Molecular consequence: missense variant.
Genome position (GRCh38, 1-based): chr2:50,053,420-50,053,421, CC replaced by AT on the plus strand (GG replaced by AT on the coding strand, the reverse complement: NRXN1 is on the minus strand). VCF-style: chr2-50053420-CC-AT. GRCh37 (hg19) VCF-style: chr2-50280558-CC-AT.
Other names: c.3807_3808delinsAT, p.Val1270Phe (NM_001330088.2); c.873_874delinsAT, p.Val292Phe (NM_001330091.2, NM_001330092.2); c.3975_3976delinsAT, p.Val1326Phe (NM_001330093.2); c.3966_3967delinsAT, p.Val1323Phe (NM_001330094.2); c.3837_3838delinsAT, p.Val1280Phe (NM_001330095.2); c.3777_3778delinsAT, p.Val1260Phe (NM_001330096.2, NM_001330087.2); c.783_784delinsAT, p.Val262Phe (NM_001330097.2, NM_138735.5); c.3888_3889delinsAT, p.Val1297Phe (NM_004801.6); and 6 more; short protein forms V1260F, V1270F, V1275F, V1318F, V1326F, V262F, V1367F, V1280F.
Identifiers: ClinVar variation 2807459 (VCV002807459.3), dbSNP rs2467634506, ClinGen allele CA2739274448.
Genomic context (GRCh38, chr2:50,053,420, plus strand): 5'-TCTCTGATTGCATGGCAGTGGCTGTTGACTCAGTTGTCATAGAGGAAGGCACTTCACCAA[CC>AT]AGTCTCACATTTCCCACTATGGCGATGTTGGCATCGTTTTCGGCTGCCATATTCAGAACT-3'
Protein context (NP_001317007.1, residues 1317-1337): NIAIVGNVRL[Val1327Phe]GEVPSSMTTE

ClinVar aggregate classification (germline): Uncertain significance (1 of 4 stars; one submission).

Conditions:
Pitt-Hopkins-like syndrome 2 (PTHSL2). Identifiers: Orphanet 221150, Orphanet 600663, MedGen C3280479, MONDO:0013690, OMIM 614325.

Submission:

Labcorp Genetics (formerly Invitae), Labcorp
Classification: Uncertain significance for Pitt-Hopkins-like syndrome 2. Last evaluated: 2023-05-22. Review status: criteria provided, single submitter. Criteria: Invitae Variant Classification Sherloc (09022015). Collection method: clinical testing. Allele origin: germline.
Comment: Experimental studies and prediction algorithms are not available or were not evaluated, and the functional significance of this variant is currently unknown. In summary, the available evidence is currently insufficient to determine the role of this variant in disease. Therefore, it has been classified as a Variant of Uncertain Significance. This variant has not been reported in the literature in individuals affected with NRXN1-related conditions. Information on the frequency of this variant in the gnomAD database is not available, as this variant may be reported differently in the database. This sequence change replaces valine, which is neutral and non-polar, with phenylalanine, which is neutral and non-polar, at codon 1367 of the NRXN1 protein (p.Val1367Phe).